The following is an entry in ClinVar:

NM_000169.3(GLA):c.804A>C (p.Leu268Phe)

Genes: GLA (galactosidase alpha; minus strand), RPL36A-HNRNPH2 (RPL36A-HNRNPH2 readthrough; plus strand). Cytogenetic location: Xq22.1.
Variant type: single nucleotide variant.
Coding change: c.804A>C on transcript NM_000169.3 (MANE Select); coding-DNA position 804, A replaced by C.
Protein change: p.Leu268Phe; replaces leucine 268 with phenylalanine.
Molecular consequence: missense variant. On other transcripts: non-coding transcript variant (3), intron variant (2).
Genome position (GRCh38, 1-based): chrX:101,398,565, T>G on the plus strand (A>C on the coding strand, the complement: GLA is on the minus strand). VCF-style: chrX-101398565-T-G. GRCh37 (hg19) VCF-style: chrX-100653553-T-G.
Other names: c.927A>C, p.Leu309Phe (NM_001406747.1); c.804A>C, p.Leu268Phe (NM_001406748.1); c.300+3108T>G (NM_001199973.2); c.177+6743T>G (NM_001199974.2); short protein forms L268F, L309F.
Identifiers: ClinVar variation 4087520 (VCV004087520.2).

ClinVar aggregate classification (germline): Uncertain significance (1 of 4 stars; one submission).

Conditions:
Fabry disease. Also called: ALPHA-GALACTOSIDASE A DEFICIENCY; ANDERSON-FABRY DISEASE; CERAMIDE TRIHEXOSIDASE DEFICIENCY; GLA DEFICIENCY; HEREDITARY DYSTOPIC LIPIDOSIS; Angiokeratoma corporis diffusum. Identifiers: Orphanet 324, MedGen C0002986, MONDO:0010526, OMIM 301500, HP:0001071. Disease mechanism: Fabry disease is due to inactivating mutations in the X-linked GLA gene resulting in deficiency of the enzyme Alpha Galactosidase-A., loss of function.

Submission:

Genomenon, Inc
Classification: Uncertain significance for Fabry disease. Last evaluated: 2026-09-08. Review status: criteria provided, single submitter. Criteria: Genomenon Sequence Variant Interpretation Standards - Updated. Collection method: curation. Allele origin: germline. Affected: yes.
Comment: GLA p.Leu268Phe (c.804A>C) is a missense variant that changes the amino acid at codon 268 from Leucine to Phenylalanine. This variant has been observed in at least one proband with clinical features consistent with Fabry disease (PMID:36140787). The variant was found to segregate with disease in at least one affected family (PMID:36140787). Functional or patient cell studies have been reported (PMID:36140787;31770509). It is absent or not present at a significant frequency in gnomAD. In silico models predict that this variant is possibly or probably damaging. In conclusion, we classify GLA p.Leu268Phe (c.804A>C) as a variant of uncertain significance.

Literature cited by the submitters: PubMed 36140787; PubMed 31770509.